The following is an entry in ClinVar:

NM_000214.3(JAG1):c.2928G>A (p.Thr976=)

Gene: JAG1 (jagged canonical Notch ligand 1; minus strand). Cytogenetic location: 20p12.2.
Variant type: single nucleotide variant.
Coding change: c.2928G>A on transcript NM_000214.3 (MANE Select); coding-DNA position 2928, G replaced by A.
Protein change: p.Thr976=; no amino-acid change (threonine 976 retained).
Molecular consequence: synonymous variant.
Genome position (GRCh38, 1-based): chr20:10,641,233, C>T on the plus strand (G>A on the coding strand, the complement: JAG1 is on the minus strand). VCF-style: chr20-10641233-C-T. GRCh37 (hg19) VCF-style: chr20-10621881-C-T.
Identifiers: ClinVar variation 951208 (VCV000951208.8), dbSNP rs764341568, ClinGen allele CA9764339.

ClinVar aggregate classification (germline): Benign/Likely benign. Review status: criteria provided, multiple submitters, no conflicts (2 of 4 stars). 2 submissions from 2 submitters: Benign (1); Likely benign (1). Last evaluated 2025-12-17.

Conditions:
JAG1-related disorder. Also called: JAG1-related condition; JAG1-related disorders.
Alagille syndrome due to a JAG1 point mutation. Also called: Alagille Syndrome 1; JAG1-Related Alagille Syndrome; HEPATIC DUCTULAR HYPOPLASIA, SYNDROMATIC. Identifiers: Orphanet 261619, Orphanet 52, MedGen C1956125, MONDO:0016862, OMIM 118450.

Allele frequency attached by ClinVar (database versions not stated): gnomAD exomes 0.00002 and 0.00006; TOPMed 0.00002; gnomAD 0.00005; ExAC 0.00007.
gnomAD v4.1: 44 of 1,613,714 alleles (0.0027%); highest among the groups gnomAD compares: Middle Eastern, 0.016%; no homozygotes.

Submissions (2):

Labcorp Genetics (formerly Invitae), Labcorp
Classification: Benign for Alagille syndrome due to a JAG1 point mutation. Last evaluated: 2025-12-17. Review status: criteria provided, single submitter. Criteria: Invitae Variant Classification Sherloc (09022015). Collection method: clinical testing. Allele origin: germline.

PreventionGenetics, part of Exact Sciences
Classification: Likely benign for JAG1-related condition. Last evaluated: 2025-04-24. Review status: criteria provided, single submitter. Criteria: ACMG Guidelines, 2015. Collection method: clinical testing. Allele origin: germline.
Comment: This variant is classified as likely benign based on ACMG/AMP sequence variant interpretation guidelines (Richards et al. 2015 PMID: 25741868, with internal and published modifications).